The following is an entry in ClinVar:

ClinVar aggregate classification (germline): Uncertain significance (1 of 4 stars; one submission).

Allele frequency attached by ClinVar (database versions not stated): gnomAD 0.00001; TOPMed 0.00001.
gnomAD v4.1: 12 of 1,613,020 alleles (0.00074%); highest among the groups gnomAD compares: Admixed American, 0.0017%; no homozygotes.

Submission:

Labcorp Genetics (formerly Invitae), Labcorp
Classification: Uncertain significance. Last evaluated: 2024-07-08. Review status: criteria provided, single submitter. Criteria: Invitae Variant Classification Sherloc (09022015). Collection method: clinical testing. Allele origin: germline.
Comment: This sequence change replaces arginine, which is basic and polar, with histidine, which is basic and polar, at codon 266 of the LRP5 protein (p.Arg266His). This variant is present in population databases (no rsID available, gnomAD 0.003%). This variant has not been reported in the literature in individuals affected with LRP5-related conditions. ClinVar contains an entry for this variant (Variation ID: 2061129). Advanced modeling of protein sequence and biophysical properties (such as structural, functional, and spatial information, amino acid conservation, physicochemical variation, residue mobility, and thermodynamic stability) performed at Invitae indicates that this missense variant is not expected to disrupt LRP5 protein function with a negative predictive value of 95%. In summary, the available evidence is currently insufficient to determine the role of this variant in disease. Therefore, it has been classified as a Variant of Uncertain Significance.

NM_002335.4(LRP5):c.797G>A (p.Arg266His)

Gene: LRP5 (LDL receptor related protein 5; plus strand). Cytogenetic location: 11q13.2.
Variant type: single nucleotide variant.
Coding change: c.797G>A on transcript NM_002335.4 (MANE Select); coding-DNA position 797, G replaced by A.
Protein change: p.Arg266His; replaces arginine 266 with histidine.
Molecular consequence: missense variant. On other transcripts: 5 prime UTR variant (1).
Genome position (GRCh38, 1-based): chr11:68,363,857, G>A. VCF-style: chr11-68363857-G-A. GRCh37 (hg19) VCF-style: chr11-68131325-G-A.
Other names: c.-969G>A (NM_001291902.2); short protein forms R266H.
Identifiers: ClinVar variation 2061129 (VCV002061129.4), dbSNP rs1410398990, ClinGen allele CA381611134.